The following is an entry in ClinVar:

ClinVar aggregate classification (germline): Conflicting classifications of pathogenicity. Review status: criteria provided, conflicting classifications (1 of 4 stars). 4 submissions from 4 submitters: Likely pathogenic (1); Uncertain significance (3). Last evaluated 2024-08-13.

Conditions:
Autosomal recessive severe congenital neutropenia due to G6PC3 deficiency. Also called: G6PC3 Deficiency; NEUTROPENIA, SEVERE CONGENITAL, 4, AUTOSOMAL RECESSIVE. Identifiers: Orphanet 331176, MedGen C2751630, MONDO:0012930, OMIM 612541.

Allele frequency attached by ClinVar (database versions not stated): gnomAD 0.00001; TOPMed 0.00001; gnomAD exomes below 0.00001; ExAC 0.00001.
gnomAD v4.1: 20 of 1,613,164 alleles (0.0012%); highest among the groups gnomAD compares: Non-Finnish European, 0.0017%; no homozygotes.

Submissions (4):

Labcorp Genetics (formerly Invitae), Labcorp
Classification: Uncertain significance for Autosomal recessive severe congenital neutropenia due to G6PC3 deficiency. Last evaluated: 2024-08-13. Review status: criteria provided, single submitter. Criteria: Invitae Variant Classification Sherloc (09022015). Collection method: clinical testing. Allele origin: germline.
Comment: This sequence change replaces phenylalanine, which is neutral and non-polar, with cysteine, which is neutral and slightly polar, at codon 309 of the G6PC3 protein (p.Phe309Cys). This variant is present in population databases (rs750695182, gnomAD 0.0009%). This variant has not been reported in the literature in individuals affected with G6PC3-related conditions. ClinVar contains an entry for this variant (Variation ID: 265542). Invitae Evidence Modeling of protein sequence and biophysical properties (such as structural, functional, and spatial information, amino acid conservation, physicochemical variation, residue mobility, and thermodynamic stability) indicates that this missense variant is expected to disrupt G6PC3 protein function with a positive predictive value of 80%. In summary, the available evidence is currently insufficient to determine the role of this variant in disease. Therefore, it has been classified as a Variant of Uncertain Significance.

Women's Health and Genetics/Laboratory Corporation of America, LabCorp
Classification: Uncertain significance. Last evaluated: 2024-03-13. Review status: criteria provided, single submitter. Criteria: LabCorp Variant Classification Summary - May 2015. Collection method: clinical testing. Allele origin: germline.
Comment: Variant summary: G6PC3 c.926T>G (p.Phe309Cys) results in a non-conservative amino acid change in the encoded protein sequence. Five of five in-silico tools predict a damaging effect of the variant on protein function. The variant allele was found at a frequency of 4e-06 in 250858 control chromosomes. The available data on variant occurrences in the general population are insufficient to allow any conclusion about variant significance. To our knowledge, no occurrence of c.926T>G in individuals affected with Autosomal Recessive Severe Congenital Neutropenia Due To G6PC3 Deficiency and no experimental evidence demonstrating its impact on protein function have been reported. ClinVar contains an entry for this variant (Variation ID: 265542). Based on the evidence outlined above, the variant was classified as uncertain significance.

Revvity Omics, Revvity
Classification: Uncertain significance for Autosomal recessive severe congenital neutropenia due to G6PC3 deficiency. Last evaluated: 2020-06-30. Review status: criteria provided, single submitter. Criteria: ACMG Guidelines, 2015. Collection method: clinical testing. Allele origin: germline.

GeneDx
Classification: Likely pathogenic. Last evaluated: 2015-12-21. Review status: criteria provided, single submitter. Criteria: GeneDx Variant Classification (06012015). Collection method: clinical testing. Allele origin: germline. Affected: yes.
Comment: The F309C variant in the G6PC3 gene has not been reported previously as a pathogenic variant, nor as a benign variant, to our knowledge. The F309C variant was not observed in approximately 6,500 individuals of European and African American ancestry in the NHLBI Exome Sequencing Project, indicating it is not a common benign variant in these populations. The F309C variant is a non-conservative amino acid substitution, which is likely to impact secondary protein structure as these residues differ in polarity, charge, size and/or other properties. This substitution occurs at a position that is conserved across species. In silico analysis predicts this variant is probably damaging to the protein structure/function. The E309C variant is a strong candidate for a pathogenic variant, however the possibility it may be a rare benign variant cannot be excluded.

NM_138387.4(G6PC3):c.926T>G (p.Phe309Cys)

Gene: G6PC3 (glucose-6-phosphatase catalytic subunit 3; plus strand). Cytogenetic location: 17q21.31.
Variant type: single nucleotide variant.
Coding change: c.926T>G on transcript NM_138387.4 (MANE Select); coding-DNA position 926, T replaced by G.
Protein change: p.Phe309Cys; replaces phenylalanine 309 with cysteine.
Molecular consequence: missense variant. On other transcripts: 3 prime UTR variant (1).
Genome position (GRCh38, 1-based): chr17:44,075,928, T>G. VCF-style: chr17-44075928-T-G. GRCh37 (hg19) VCF-style: chr17-42153296-T-G.
Other names: c.*219T>G (NM_001319945.2); c.581T>G, p.Phe194Cys (NM_001384165.1, NM_001384166.1, NM_001384167.1 and 1 more transcripts); short protein forms F309C, F194C.
Identifiers: ClinVar variation 265542 (VCV000265542.13), dbSNP rs750695182, ClinGen allele CA8596182.
Genomic context (GRCh38, chr17:44,075,928, plus strand): 5'-TGGCCATGGGGCTGCTGGGCCCCCTGGACTGGCTGGGCCACCCCCCTCAGATCAGCCTCT[T>G]CTACATTTTCAATTTCCTCAAGTACACCCTCTGGCCATGCCTAGTCCTGGCCCTCGTGCC-3'
Protein context (NP_612396.1, residues 299-319): WLGHPPQISL[Phe309Cys]YIFNFLKYTL